The following is an entry in ClinVar:

NM_031310.3(PLVAP):c.755A>G (p.Asn252Ser)

Gene: PLVAP (plasmalemma vesicle associated protein; minus strand). Cytogenetic location: 19p13.11.
Variant type: single nucleotide variant.
Coding change: c.755A>G on transcript NM_031310.3 (MANE Select); coding-DNA position 755, A replaced by G.
Protein change: p.Asn252Ser; replaces asparagine 252 with serine.
Molecular consequence: missense variant.
Genome position (GRCh38, 1-based): chr19:17,365,710, T>C on the plus strand (A>G on the coding strand, the complement: PLVAP is on the minus strand). VCF-style: chr19-17365710-T-C. GRCh37 (hg19) VCF-style: chr19-17476519-T-C.
Other names: short protein forms N252S.
Identifiers: ClinVar variation 3630852 (VCV003630852.2).

ClinVar aggregate classification (germline): Uncertain significance (1 of 4 stars; one submission).

Submission:

Labcorp Genetics (formerly Invitae), Labcorp
Classification: Uncertain significance. Last evaluated: 2024-02-10. Review status: criteria provided, single submitter. Criteria: Invitae Variant Classification Sherloc (09022015). Collection method: clinical testing. Allele origin: germline.
Comment: This sequence change replaces asparagine, which is neutral and polar, with serine, which is neutral and polar, at codon 252 of the PLVAP protein (p.Asn252Ser). This variant is not present in population databases (gnomAD no frequency). This variant has not been reported in the literature in individuals affected with PLVAP-related conditions. Advanced modeling of protein sequence and biophysical properties (such as structural, functional, and spatial information, amino acid conservation, physicochemical variation, residue mobility, and thermodynamic stability) performed at Invitae indicates that this missense variant is not expected to disrupt PLVAP protein function with a negative predictive value of 80%. In summary, the available evidence is currently insufficient to determine the role of this variant in disease. Therefore, it has been classified as a Variant of Uncertain Significance.